The following is an entry in ClinVar:

NM_024675.4(PALB2):c.1790T>C (p.Met597Thr)

Gene: PALB2 (partner and localizer of BRCA2; minus strand). Cytogenetic location: 16p12.2.
Variant type: single nucleotide variant.
Coding change: c.1790T>C on transcript NM_024675.4 (MANE Select); coding-DNA position 1790, T replaced by C.
Protein change: p.Met597Thr; replaces methionine 597 with threonine.
Molecular consequence: missense variant.
Genome position (GRCh38, 1-based): chr16:23,630,364, A>G on the plus strand (T>C on the coding strand, the complement: PALB2 is on the minus strand). VCF-style: chr16-23630364-A-G. GRCh37 (hg19) VCF-style: chr16-23641685-A-G.
Other names: short protein forms M597T.
Identifiers: ClinVar variation 1436613 (VCV001436613.12), dbSNP rs786203214, ClinGen allele CA395128097.

ClinVar aggregate classification (germline): Uncertain significance. Review status: criteria provided, multiple submitters, no conflicts (2 of 4 stars). 3 submissions from 3 submitters: Uncertain significance (3). Last evaluated 2024-05-09.

Conditions:
Familial cancer of breast. Also called: hereditary breast carcinoma; BREAST CANCER, FAMILIAL; Hereditary breast cancer. Identifiers: Orphanet 227535, MedGen C0346153, MONDO:0016419, OMIM 114480. Disease mechanism: loss of function.
Hereditary cancer-predisposing syndrome. Also called: Neoplastic Syndromes, Hereditary; Hereditary Cancer Syndrome; Hereditary neoplastic syndrome; Tumor predisposition. Identifiers: Orphanet 140162, MedGen C0027672, MeSH D009386, MONDO:0015356.

gnomAD v4.1: 3 of 1,614,164 alleles (0.00019%); highest among the groups gnomAD compares: South Asian, 0.0022%; no homozygotes.

Submissions (3):

Ambry Genetics
Classification: Uncertain significance for Hereditary cancer-predisposing syndrome. Last evaluated: 2024-05-09. Review status: criteria provided, single submitter. Criteria: Ambry Variant Classification Scheme 2023. Collection method: clinical testing. Allele origin: germline.
Comment: The p.M597T variant (also known as c.1790T>C), located in coding exon 5 of the PALB2 gene, results from a T to C substitution at nucleotide position 1790. The methionine at codon 597 is replaced by threonine, an amino acid with similar properties. This amino acid position is conserved. In addition, this alteration is predicted to be tolerated by in silico analysis. Since supporting evidence is limited at this time, the clinical significance of this alteration remains unclear.

Labcorp Genetics (formerly Invitae), Labcorp
Classification: Uncertain significance for Familial cancer of breast. Last evaluated: 2024-02-15. Review status: criteria provided, single submitter. Criteria: Invitae Variant Classification Sherloc (09022015). Collection method: clinical testing. Allele origin: germline.
Comment: This sequence change replaces methionine, which is neutral and non-polar, with threonine, which is neutral and polar, at codon 597 of the PALB2 protein (p.Met597Thr). This variant is not present in population databases (gnomAD no frequency). This variant has not been reported in the literature in individuals affected with PALB2-related conditions. ClinVar contains an entry for this variant (Variation ID: 1436613). Advanced modeling of protein sequence and biophysical properties (such as structural, functional, and spatial information, amino acid conservation, physicochemical variation, residue mobility, and thermodynamic stability) performed at Invitae indicates that this missense variant is not expected to disrupt PALB2 protein function with a negative predictive value of 80%. In summary, the available evidence is currently insufficient to determine the role of this variant in disease. Therefore, it has been classified as a Variant of Uncertain Significance.

Baylor Genetics
Classification: Uncertain significance for Familial cancer of breast. Last evaluated: 2023-08-14. Review status: criteria provided, single submitter. Criteria: ACMG Guidelines, 2015. Collection method: clinical testing. Allele origin: unknown.